The following is an entry in ClinVar:

NM_020975.6(RET):c.269A>G (p.Glu90Gly)

Gene: RET (ret proto-oncogene; plus strand). Cytogenetic location: 10q11.21.
Variant type: single nucleotide variant.
Coding change: c.269A>G on transcript NM_020975.6 (MANE Select); coding-DNA position 269, A replaced by G.
Protein change: p.Glu90Gly; replaces glutamic acid 90 with glycine.
Molecular consequence: missense variant. On other transcripts: intron variant (4).
Genome position (GRCh38, 1-based): chr10:43,100,654, A>G. VCF-style: chr10-43100654-A-G. GRCh37 (hg19) VCF-style: chr10-43596102-A-G.
Other names: c.269A>G, p.Glu90Gly (NM_000323.2, NM_001406743.1, NM_001406744.1 and 34 more transcripts); c.74-8377A>G (NM_001406784.1); c.74-11445A>G (NM_001406794.1, NM_001406792.1, NM_001406793.1); short protein forms E90G.
Identifiers: ClinVar variation 2808322 (VCV002808322.3), dbSNP rs2132663258, ClinGen allele CA376770452.

ClinVar aggregate classification (germline): Uncertain significance (1 of 4 stars; one submission).

Conditions:
Multiple endocrine neoplasia, type 2 (MEN2). Identifiers: Orphanet 653, MedGen C4048306, MONDO:0019003. Disease mechanism: gain of function.

Submission:

Labcorp Genetics (formerly Invitae), Labcorp
Classification: Uncertain significance for Multiple endocrine neoplasia, type 2. Last evaluated: 2023-04-20. Review status: criteria provided, single submitter. Criteria: Invitae Variant Classification Sherloc (09022015). Collection method: clinical testing. Allele origin: germline.
Comment: In summary, the available evidence is currently insufficient to determine the role of this variant in disease. Therefore, it has been classified as a Variant of Uncertain Significance. An algorithm developed to predict the effect of missense changes on protein structure and function (PolyPhen-2) suggests that this variant is likely to be tolerated. This variant has not been reported in the literature in individuals affected with RET-related conditions. This variant is not present in population databases (gnomAD no frequency). This sequence change replaces glutamic acid, which is acidic and polar, with glycine, which is neutral and non-polar, at codon 90 of the RET protein (p.Glu90Gly).